The following is an entry in ClinVar:

ClinVar aggregate classification (germline): Uncertain significance (1 of 4 stars; one submission).

Conditions:
Dystonic disorder. Also called: Dystonia. Identifiers: MedGen C0013421, MONDO:0003441, HP:0001332.

Allele frequency attached by ClinVar (database versions not stated): TOPMed below 0.00001; gnomAD 0.00001; gnomAD exomes 0.00002.
gnomAD v4.1: 6 of 1,611,568 alleles (0.00037%); highest among the groups gnomAD compares: Admixed American, 0.01%; no homozygotes.

Submission:

Labcorp Genetics (formerly Invitae), Labcorp
Classification: Uncertain significance for Dystonic disorder. Last evaluated: 2025-12-20. Review status: criteria provided, single submitter. Criteria: Invitae Variant Classification Sherloc (09022015). Collection method: clinical testing. Allele origin: germline.
Comment: This sequence change replaces glutamic acid, which is acidic and polar, with aspartic acid, which is acidic and polar, at codon 213 of the CIZ1 protein (p.Glu213Asp). This variant is present in population databases (no rsID available, gnomAD 0.02%). This variant has not been reported in the literature in individuals affected with CIZ1-related conditions. ClinVar contains an entry for this variant (Variation ID: 1441805). An algorithm developed to predict the effect of missense changes on protein structure and function (PolyPhen-2) suggests that this variant is likely to be disruptive. In summary, the available evidence is currently insufficient to determine the role of this variant in disease. Therefore, it has been classified as a Variant of Uncertain Significance.

NM_001131016.2(CIZ1):c.639G>C (p.Glu213Asp)

Gene: CIZ1 (CDKN1A interacting zinc finger protein 1; minus strand). Cytogenetic location: 9q34.11.
Variant type: single nucleotide variant.
Coding change: c.639G>C on transcript NM_001131016.2 (MANE Select); coding-DNA position 639, G replaced by C.
Protein change: p.Glu213Asp; replaces glutamic acid 213 with aspartic acid.
Molecular consequence: missense variant.
Genome position (GRCh38, 1-based): chr9:128,180,764, C>G on the plus strand (G>C on the coding strand, the complement: CIZ1 is on the minus strand). VCF-style: chr9-128180764-C-G. GRCh37 (hg19) VCF-style: chr9-130943043-C-G.
Other names: c.639G>C, p.Glu213Asp (NM_001131015.2, NM_012127.3); c.624G>C, p.Glu208Asp (NM_001131017.2); c.567G>C, p.Glu189Asp (NM_001131018.2); c.729G>C, p.Glu243Asp (NM_001257975.2); c.336G>C, p.Glu112Asp (NM_001257976.2); short protein forms E213D, E112D, E189D, E208D, E243D.
Identifiers: ClinVar variation 1441805 (VCV001441805.7), dbSNP rs1285512165, ClinGen allele CA375031569.